The following is an entry in ClinVar:

ClinVar aggregate classification (germline): Pathogenic (1 of 4 stars; one submission).

Conditions:
Hereditary breast ovarian cancer syndrome. Also called: Hereditary breast and ovarian cancer syndrome (HBOC); Breast and ovarian cancer; Hereditary breast and ovarian cancer; Hereditary breast and ovarian cancer syndrome; BRCA1- and BRCA2-Associated Hereditary Breast and Ovarian Cancer; Hereditary breast and/or ovarian cancer syndrome. Identifiers: Orphanet 145, MedGen C0677776, MeSH D061325, MONDO:0003582. Disease mechanism: loss of function.

Submission:

Women's Health and Genetics/Laboratory Corporation of America, LabCorp
Classification: Pathogenic for Hereditary breast ovarian cancer syndrome. Last evaluated: 2025-10-24. Review status: criteria provided, single submitter. Criteria: LabCorp Variant Classification Summary - May 2015. Collection method: clinical testing. Allele origin: germline.
Comment: Variant summary: BRCA2 c.7375_7386delinsCA (p.Lys2459GlnfsX5) results in a premature termination codon, predicted to cause a truncation of the encoded protein or absence of the protein due to nonsense mediated decay, which are commonly known mechanisms for disease. The variant was absent in 1613020 control chromosomes. To our knowledge, no occurrence of c.7375_7386delinsCA in individuals affected with BRCA2-related conditions and no experimental evidence demonstrating its impact on protein function have been reported. No submitters have cited clinical-significance assessments for this variant to ClinVar. Based on the evidence outlined above, the variant was classified as pathogenic.

NM_000059.4(BRCA2):c.7375_7386delinsCA (p.Lys2459fs)

Gene: BRCA2 (BRCA2 DNA repair associated; plus strand). Cytogenetic location: 13q13.1.
Variant type: Indel.
Coding change: c.7375_7386delinsCA on transcript NM_000059.4 (MANE Select); coding-DNA positions 7375 to 7386, AAAAACAACTCC replaced by CA.
Protein change: p.Lys2459fs; shifts the reading frame from lysine 2459.
Molecular consequence: frameshift variant. On other transcripts: non-coding transcript variant (1).
Genome position (GRCh38, 1-based): chr13:32,355,228-32,355,239, AAAAACAACTCC replaced by CA. VCF-style: chr13-32355228-AAAAACAACTCC-CA. GRCh37 (hg19) VCF-style: chr13-32929365-AAAAACAACTCC-CA.
Other names: c.7279_7290delinsCA, p.Lys2427fs (NM_001406719.1); c.7375_7386delinsCA, p.Lys2459fs (NM_001406720.1, NM_001432077.1); c.2443_2454delinsCA, p.Lys815fs (NM_001406721.1); c.958_969delinsCA, p.Lys320fs (NM_001406722.1); short protein forms K2427fs, K2459fs, K320fs, K815fs.
Identifiers: ClinVar variation 4687760 (VCV004687760.1).
Genomic context (GRCh38, chr13:32,355,228, plus strand): 5'-GGACATGGCTCTGATGATAGTAAAAATAAGATTAATGACAATGAGATTCATCAGTTTAAC[AAAAACAACTCC>CA]AATCAAGCAGTAGCTGTAACTTTCACAAAGTGTGAAGAAGAACCTTTAGGTATTGTATGA-3'